The following is an entry in ClinVar:

NM_015267.4(CUX2):c.4191G>A (p.Ser1397=)

Gene: CUX2 (cut like homeobox 2; plus strand). Cytogenetic location: 12q24.12.
Variant type: single nucleotide variant.
Coding change: c.4191G>A on transcript NM_015267.4 (MANE Select); coding-DNA position 4191, G replaced by A.
Protein change: p.Ser1397=; no amino-acid change (serine 1397 retained).
Molecular consequence: synonymous variant.
Genome position (GRCh38, 1-based): chr12:111,348,055, G>A. VCF-style: chr12-111348055-G-A. GRCh37 (hg19) VCF-style: chr12-111785859-G-A.
Other names: c.4005G>A, p.Ser1335= (NM_001370598.1).
Identifiers: ClinVar variation 3047090 (VCV003047090.2), dbSNP rs745631840, ClinGen allele CA6789306.

ClinVar aggregate classification (germline): Likely benign (0 of 4 stars; one submission).

Conditions:
CUX2-related disorder. Also called: CUX2-related condition.

Allele frequency attached by ClinVar (database versions not stated): ExAC 0.00002; gnomAD 0.00002; TOPMed 0.00002.
gnomAD v4.1: 36 of 1,613,824 alleles (0.0022%); highest among the groups gnomAD compares: East Asian, 0.031%; no homozygotes.

Submission:

PreventionGenetics, part of Exact Sciences
Classification: Likely benign for CUX2-related condition. Last evaluated: 2019-04-08. Review status: no assertion criteria provided. Collection method: clinical testing. Allele origin: germline.
Comment: This variant is classified as likely benign based on ACMG/AMP sequence variant interpretation guidelines (Richards et al. 2015 PMID: 25741868, with internal and published modifications).